The following is an entry in ClinVar:

NM_006343.3(MERTK):c.2049_2052del (p.Leu683fs)

Gene: MERTK (MER proto-oncogene, tyrosine kinase; plus strand). Cytogenetic location: 2q13.
Variant type: Microsatellite.
Coding change: c.2049_2052del on transcript NM_006343.3 (MANE Select); coding-DNA positions 2049 to 2052, 4 bases deleted (ACTT; older notation c.2049_2052delACTT).
Protein change: p.Leu683fs; shifts the reading frame from leucine 683.
Molecular consequence: frameshift variant.
Genome position (GRCh38, 1-based): chr2:112,010,036-112,010,039, ACTT deleted; deleting any 4 consecutive bases within chr2:112,010,027-112,010,039 gives the same sequence; the c. name uses the placement nearest the transcript's 3' end. VCF-style (leftmost placement, unchanged base first): chr2-112010026-ATACT-A. GRCh37 (hg19) VCF-style: chr2-112767603-ATACT-A.
Other names: short protein forms L683fs.
Identifiers: ClinVar variation 865869 (VCV000865869.6), dbSNP rs775776288, ClinGen allele CA1831646.

ClinVar aggregate classification (germline): Pathogenic. Review status: criteria provided, multiple submitters, no conflicts (2 of 4 stars). 4 submissions from 4 submitters: Pathogenic (4). Last evaluated 2024-03-12.

Conditions:
MERTK-related disorder. Also called: MERTK-related condition.
Retinitis pigmentosa 38 (RP38). Also called: ROD-CONE DYSTROPHY, CHILDHOOD-ONSET. Identifiers: Orphanet 791, MedGen C3151228, MONDO:0013469, OMIM 613862.

Submissions (4):

Labcorp Genetics (formerly Invitae), Labcorp
Classification: Pathogenic. Last evaluated: 2024-03-12. Review status: criteria provided, single submitter. Criteria: Invitae Variant Classification Sherloc (09022015). Collection method: clinical testing. Allele origin: germline.
Comment: This sequence change creates a premature translational stop signal (p.Leu683Phefs*18) in the MERTK gene. It is expected to result in an absent or disrupted protein product. Loss-of-function variants in MERTK are known to be pathogenic (PMID: 24265693, 29659094). This variant is present in population databases (rs775776288, gnomAD 0.006%). This premature translational stop signal has been observed in individual(s) with inherited retinal disease (PMID: 31429209). ClinVar contains an entry for this variant (Variation ID: 865869). For these reasons, this variant has been classified as Pathogenic.

3billion
Classification: Pathogenic for Retinitis pigmentosa 38. Last evaluated: 2023-08-17. Review status: criteria provided, single submitter. Criteria: ACMG Guidelines, 2015. Collection method: clinical testing. Allele origin: germline. Affected: yes.
Comment: The variant is observed at an extremely low frequency in the gnomAD v2.1.1 dataset (total allele frequency: 0.001%). Predicted Consequence/Location: Frameshift: predicted to result in a loss or disruption of normal protein function through nonsense-mediated decay (NMD) or protein truncation. Multiple pathogenic variants are reported downstream of the variant. The variant has been reported at least twice as pathogenic without evidence for the classification (ClinVar ID: VCV000865869 /PMID: 31429209). Therefore, this variant is classified as Pathogenic according to the recommendation of ACMG/AMP guideline.

Blueprint Genetics
Classification: Pathogenic for MERTK-related disorders. Last evaluated: 2022-01-31. Review status: criteria provided, single submitter. Criteria: ACMG Guidelines, 2015. Collection method: clinical testing. Allele origin: germline. Affected: yes. Observed: 4 variant alleles.

Ocular Genomics Institute, Massachusetts Eye and Ear
Classification: Pathogenic for Retinitis pigmentosa 38. Last evaluated: 2021-04-08. Review status: criteria provided, single submitter. Criteria: ACMG Guidelines, 2015. Collection method: research. Allele origin: germline. Affected: yes.
Comment: Through a review of available evidence we were able to apply the following criteria: PVS1, PM2, PM3. Based on this evidence we have classified this variant as Pathogenic.

Literature cited by the submitters: PubMed 24265693 (cited by Labcorp Genetics (formerly Invitae), Labcorp); PubMed 29659094 (cited by Labcorp Genetics (formerly Invitae), Labcorp); PubMed 31429209 (cited by Labcorp Genetics (formerly Invitae), Labcorp and 3billion).